The following is an entry in ClinVar:

NM_001042492.3(NF1):c.31C>T (p.Gln11Ter)

Genes: MIR4733HG (MIR4733 host gene; minus strand), NF1 (neurofibromin 1; plus strand), LOC111811965 (NF1 (neurofibromin 1) promoter region; plus strand). Cytogenetic location: 17q11.2.
Variant type: single nucleotide variant.
Coding change: c.31C>T on transcript NM_001042492.3 (MANE Select); coding-DNA position 31, C replaced by T.
Protein change: p.Gln11Ter; replaces glutamine 11 with a stop codon.
Molecular consequence: nonsense. On other transcripts: non-coding transcript variant (1).
Genome position (GRCh38, 1-based): chr17:31,095,340, C>T. VCF-style: chr17-31095340-C-T. GRCh37 (hg19) VCF-style: chr17-29422358-C-T.
Other names: c.31C>T, p.Gln11Ter (NM_000267.4, NM_001128147.3); short protein forms Q11*.
Identifiers: ClinVar variation 230597 (VCV000230597.79), dbSNP rs876658658, ClinGen allele CA10577556.

ClinVar aggregate classification (germline): Pathogenic. Review status: criteria provided, multiple submitters, no conflicts (2 of 4 stars). 12 submissions from 12 submitters: Pathogenic (12). Last evaluated 2026-04-01.

Conditions:
Hereditary cancer-predisposing syndrome. Also called: Neoplastic Syndromes, Hereditary; Hereditary Cancer Syndrome; Tumor predisposition; Hereditary neoplastic syndrome. Identifiers: Orphanet 140162, MedGen C0027672, MeSH D009386, MONDO:0015356.
Café-au-lait macules with pulmonary stenosis (WTSN). Also called: PULMONIC STENOSIS WITH CAFE-AU-LAIT SPOTS. Identifiers: MedGen C0553586, MONDO:0008672, OMIM 193520.
Abnormality of the skin. Identifiers: MedGen C5848159, HP:0000951.
Neurofibromatosis, type 1 (NF1). Also called: VON RECKLINGHAUSEN DISEASE; Peripheral type neurofibromatosis; NEUROFIBROMATOSIS, TYPE I, SOMATIC; Neurofibromatosis, type I. Identifiers: Orphanet 636, MedGen C0027831, MONDO:0018975, OMIM 162200. Disease mechanism: loss of function.

Submissions (12):

Department of Genetics, Sultan Qaboos University Hospital
Classification: Pathogenic for Neurofibromatosis, type 1. Last evaluated: 2026-04-01. Review status: criteria provided, single submitter. Criteria: ACMG Guidelines, 2015. Collection method: clinical testing. Allele origin: germline. Affected: yes. Observed: 1 variant allele.
Comment: PVS1,PM2,PP5_Very_Strong

Labcorp Genetics (formerly Invitae), Labcorp
Classification: Pathogenic for Neurofibromatosis, type 1. Last evaluated: 2025-10-19. Review status: criteria provided, single submitter. Criteria: Invitae Variant Classification Sherloc (09022015). Collection method: clinical testing. Allele origin: germline.
Comment: This sequence change creates a premature translational stop signal (p.Gln11*) in the NF1 gene. It is expected to result in an absent or disrupted protein product. Loss-of-function variants in NF1 are known to be pathogenic (PMID: 10712197, 23913538). This variant is not present in population databases (gnomAD no frequency). This premature translational stop signal has been observed in individuals with clinical features of neurofibromatosis type 1 (PMID: 15523626). Invitae Evidence Modeling of clinical and family history, age, sex, and reported ancestry of multiple individuals with this NF1 variant has been performed. This variant is expected to be pathogenic with a positive predictive value of at least 99%. This is a validated machine learning model that incorporates the clinical features of 1,785,918 individuals referred to our laboratory for NF1 testing. ClinVar contains an entry for this variant (Variation ID: 230597). For these reasons, this variant has been classified as Pathogenic.

Department of Human Genetics, Hannover Medical School
Classification: Pathogenic for Neurofibromatosis, type 1. Last evaluated: 2025-09-08. Review status: criteria provided, single submitter. Criteria: ACMG Guidelines, 2015. Collection method: clinical testing. Allele origin: germline. Affected: yes.
Comment: PVS1, PM2_Supporting, PP4_Strong

NHS Central & South Genomic Laboratory Hub
Classification: Pathogenic for Neurofibromatosis type 1. Last evaluated: 2025-04-09. Review status: criteria provided, single submitter. Criteria: ACMG Guidelines, 2015. Collection method: clinical testing. Allele origin: germline. Affected: yes.

Dubai Health Genomic Medicine Center, Dubai Health
Classification: Pathogenic for Watson syndrome. Last evaluated: 2024-10-04. Review status: criteria provided, single submitter. Criteria: ACMG Guidelines, 2015. Collection method: research. Allele origin: germline. Affected: yes.
Comment: PVS1,PP4,PM2

Institute for Genomic Medicine (IGM) Clinical Laboratory, Nationwide Children's Hospital
Classification: Pathogenic for Neurofibromatosis, type 1. Last evaluated: 2024-09-19. Review status: criteria provided, single submitter. Criteria: ACMG Guidelines, 2015. Collection method: clinical testing. Allele origin: germline.
Comment: This variant is predicted to result in loss of function through nonsense-mediated decay of the encoded transcript or premature truncation of the encoded protein in a gene in which loss of function is a known mechanism of disease (ACMG/AMP: PVS1; PMIDs:10712197, 10862084, 16835897, 16944272, 23668869). This variant has been reported at an elevated frequency in affected individuals/in multiple affected individuals in the literature (ACMG/AMP: PS4_Moderate; PMIDs:35024939, 15523626, 36612057). This variant is absent from or present at an exceedingly low frequency in gnomAD, a large-scale control population database (ACMG/AMP: PM2).

GeneDx
Classification: Pathogenic. Last evaluated: 2023-11-03. Review status: criteria provided, single submitter. Criteria: GeneDx Variant Classification Process June 2021. Collection method: clinical testing. Allele origin: germline. Affected: yes.
Comment: Nonsense variant predicted to result in protein truncation or nonsense mediated decay in a gene for which loss of function is a known mechanism of disease; Not observed at significant frequency in large population cohorts (gnomAD); This variant is associated with the following publications: (PMID: 35024939, 15523626, 36612057)

Genome-Nilou Lab
Classification: Pathogenic for Neurofibromatosis, type 1. Last evaluated: 2022-03-15. Review status: criteria provided, single submitter. Criteria: ACMG Guidelines, 2015. Collection method: clinical testing. Allele origin: germline. Affected: no.

Kariminejad - Najmabadi Pathology & Genetics Center
Classification: Pathogenic for Abnormality of the skin. Last evaluated: 2021-07-10. Review status: criteria provided, single submitter. Criteria: ACMG Guidelines, 2015. Collection method: clinical testing. Allele origin: germline. Affected: yes.

Genome Diagnostics Laboratory, The Hospital for Sick Children
Classification: Pathogenic for Neurofibromatosis, type 1. Last evaluated: 2020-10-26. Review status: criteria provided, single submitter. Criteria: ACMG Guidelines, 2015. Collection method: clinical testing. Allele origin: germline. Affected: yes.

CeGaT Center for Human Genetics Tuebingen
Classification: Pathogenic. Last evaluated: 2018-06-01. Review status: criteria provided, single submitter. Criteria: CeGaT Center For Human Genetics Tuebingen Variant Classification Criteria Version 2. Collection method: clinical testing. Allele origin: germline. Affected: yes. Observed: 1 variant allele.

Ambry Genetics
Classification: Pathogenic for Hereditary cancer-predisposing syndrome. Last evaluated: 2015-02-25. Review status: criteria provided, single submitter. Criteria: Ambry Autosomal Dominant and X-Linked criteria (10/2015). Collection method: clinical testing. Allele origin: germline. Observed: 1 variant allele.
Comment: The p.Q11* pathogenic mutation (also known as c.31C>T) located in coding exon 1 of the NF1 gene, results from a C to T substitution at nucleotide position 31. This changes the amino acid from a glutamine to a stop codon within coding exon 1.

Literature cited by the submitters: PubMed 10712197 (cited by Labcorp Genetics (formerly Invitae), Labcorp and Institute for Genomic Medicine (IGM) Clinical Laboratory, Nationwide Children's Hospital); PubMed 23913538 (cited by Labcorp Genetics (formerly Invitae), Labcorp); PubMed 15523626 (cited by 3 submitters); PubMed 10862084 (cited by Institute for Genomic Medicine (IGM) Clinical Laboratory, Nationwide Children's Hospital); PubMed 16835897 (cited by Institute for Genomic Medicine (IGM) Clinical Laboratory, Nationwide Children's Hospital); PubMed 16944272 (cited by Institute for Genomic Medicine (IGM) Clinical Laboratory, Nationwide Children's Hospital); PubMed 23668869 (cited by Institute for Genomic Medicine (IGM) Clinical Laboratory, Nationwide Children's Hospital); PubMed 35024939 (cited by Institute for Genomic Medicine (IGM) Clinical Laboratory, Nationwide Children's Hospital); PubMed 36612057 (cited by Institute for Genomic Medicine (IGM) Clinical Laboratory, Nationwide Children's Hospital).